The following is an entry in ClinVar:

NM_001376.5(DYNC1H1):c.11711A>G (p.Glu3904Gly)

Gene: DYNC1H1 (dynein cytoplasmic 1 heavy chain 1; plus strand). Cytogenetic location: 14q32.31.
Variant type: single nucleotide variant.
Coding change: c.11711A>G on transcript NM_001376.5 (MANE Select); coding-DNA position 11711, A replaced by G.
Protein change: p.Glu3904Gly; replaces glutamic acid 3904 with glycine.
Molecular consequence: missense variant.
Genome position (GRCh38, 1-based): chr14:102,040,256, A>G. VCF-style: chr14-102040256-A-G. GRCh37 (hg19) VCF-style: chr14-102506593-A-G.
Other names: short protein forms E3904G.
Identifiers: ClinVar variation 3636181 (VCV003636181.3).

ClinVar aggregate classification (germline): Uncertain significance. Review status: criteria provided, multiple submitters, no conflicts (2 of 4 stars). 2 submissions from 2 submitters: Uncertain significance (2). Last evaluated 2025-06-24.

Conditions:
Inborn genetic diseases. Identifiers: MedGen C0950123, MeSH D030342.
Charcot-Marie-Tooth disease axonal type 2O. Also called: Charcot-Marie-Tooth disease, axonal, type 20; CHARCOT-MARIE-TOOTH NEUROPATHY, AXONAL, TYPE 2O; CHARCOT-MARIE-TOOTH DISEASE, AXONAL, AUTOSOMAL DOMINANT, TYPE 2O; Charcot-Marie-Tooth Neuropathy Type 2O. Identifiers: Orphanet 284232, MedGen C3280220, MONDO:0013644, OMIM 614228.

Submissions (2):

Ambry Genetics
Classification: Uncertain significance for Inborn genetic diseases. Last evaluated: 2025-06-24. Review status: criteria provided, single submitter. Criteria: Ambry Variant Classification Scheme 2023. Collection method: clinical testing. Allele origin: germline.

Labcorp Genetics (formerly Invitae), Labcorp
Classification: Uncertain significance for Charcot-Marie-Tooth disease axonal type 2O. Last evaluated: 2024-04-18. Review status: criteria provided, single submitter. Criteria: Invitae Variant Classification Sherloc (09022015). Collection method: clinical testing. Allele origin: germline.
Comment: This sequence change replaces glutamic acid, which is acidic and polar, with glycine, which is neutral and non-polar, at codon 3904 of the DYNC1H1 protein (p.Glu3904Gly). This variant is not present in population databases (gnomAD no frequency). This variant has not been reported in the literature in individuals affected with DYNC1H1-related conditions. Advanced modeling of protein sequence and biophysical properties (such as structural, functional, and spatial information, amino acid conservation, physicochemical variation, residue mobility, and thermodynamic stability) has been performed at Invitae for this missense variant, however the output from this modeling did not meet the statistical confidence thresholds required to predict the impact of this variant on DYNC1H1 protein function. In summary, the available evidence is currently insufficient to determine the role of this variant in disease. Therefore, it has been classified as a Variant of Uncertain Significance.